The following is an entry in ClinVar:

NM_001042492.3(NF1):c.4381_4382del (p.Met1461fs)

Gene: NF1 (neurofibromin 1; plus strand). Cytogenetic location: 17q11.2.
Variant type: Microsatellite.
Coding change: c.4381_4382del on transcript NM_001042492.3 (MANE Select); coding-DNA positions 4381 to 4382, 2 bases deleted (AT; older notation c.4381_4382delAT).
Protein change: p.Met1461fs; shifts the reading frame from methionine 1461.
Molecular consequence: frameshift variant.
Genome position (GRCh38, 1-based): chr17:31,259,080-31,259,081, AT deleted; deleting any 2 consecutive bases within chr17:31,259,078-31,259,081 gives the same sequence; the c. name uses the placement nearest the transcript's 3' end. VCF-style (leftmost placement, unchanged base first): chr17-31259077-CAT-C. GRCh37 (hg19) VCF-style: chr17-29586095-CAT-C.
Other names: c.4316_4317AT[1], p.Met1440Alafs (NM_000267.4); short protein forms M1440fs, M1461fs.
Identifiers: ClinVar variation 3067991 (VCV003067991.4), dbSNP rs1135402859, ClinGen allele CA2825002484.

ClinVar aggregate classification (germline): Conflicting classifications of pathogenicity. Review status: criteria provided, conflicting classifications (1 of 4 stars). 3 submissions from 3 submitters: Pathogenic (2); Uncertain significance (1). Last evaluated 2025-07-23.

Conditions:
Neurofibromatosis, type 1 (NF1). Also called: NEUROFIBROMATOSIS, TYPE I, SOMATIC; VON RECKLINGHAUSEN DISEASE; Neurofibromatosis, type I; Peripheral type neurofibromatosis. Identifiers: Orphanet 636, MedGen C0027831, MONDO:0018975, OMIM 162200. Disease mechanism: loss of function.

Submissions (3):

GeneDx
Classification: Pathogenic. Last evaluated: 2025-07-23. Review status: criteria provided, single submitter. Criteria: GeneDx Variant Classification Process June 2021. Collection method: clinical testing. Allele origin: germline. Affected: yes.
Comment: Frameshift variant predicted to result in protein truncation or nonsense mediated decay in a gene for which loss of function is a known mechanism of disease; Not observed at significant frequency in large population cohorts (gnomAD); Has not been previously published as pathogenic or benign to our knowledge

Labcorp Genetics (formerly Invitae), Labcorp
Classification: Pathogenic for Neurofibromatosis, type 1. Last evaluated: 2024-10-29. Review status: criteria provided, single submitter. Criteria: Invitae Variant Classification Sherloc (09022015). Collection method: clinical testing. Allele origin: germline.
Comment: This sequence change creates a premature translational stop signal (p.Met1440Alafs*5) in the NF1 gene. It is expected to result in an absent or disrupted protein product. Loss-of-function variants in NF1 are known to be pathogenic (PMID: 10712197, 23913538). This variant is not present in population databases (gnomAD no frequency). This variant has not been reported in the literature in individuals affected with NF1-related conditions. ClinVar contains an entry for this variant (Variation ID: 3067991). For these reasons, this variant has been classified as Pathogenic.

Genomic Medicine Center of Excellence, King Faisal Specialist Hospital and Research Centre
Classification: Uncertain significance for Neurofibromatosis, type 1. Last evaluated: 2024-04-04. Review status: criteria provided, single submitter. Criteria: ACMG Guidelines, 2015. Collection method: clinical testing. Allele origin: germline.

Literature cited by the submitters: PubMed 10712197 (cited by Labcorp Genetics (formerly Invitae), Labcorp); PubMed 23913538 (cited by Labcorp Genetics (formerly Invitae), Labcorp).